The following is an entry in ClinVar:

ClinVar aggregate classification (germline): Benign (1 of 4 stars; one submission).

Conditions:
Danon disease. Also called: ANTOPOL DISEASE; PSEUDOGLYCOGENOSIS II; GSD IIb; LYSOSOMAL GLYCOGEN STORAGE DISEASE WITHOUT ACID MALTASE DEFICIENCY; Glycogen Storage Disease Type IIb. Identifiers: Orphanet 34587, MedGen C0878677, MONDO:0010281, OMIM 300257.

Allele frequency attached by ClinVar (database versions not stated): 1000 Genomes Project 0.00079; 1000 Genomes Project 30x 0.00083; gnomAD 0.00240 and 0.00249; TOPMed 0.00260.
gnomAD v4.1: 2,719 of 752,216 alleles (0.36%); highest among the groups gnomAD compares: Admixed American, 0.63%; 6 homozygotes.

Submission:

Illumina Laboratory Services, Illumina
Classification: Benign for Danon disease. Last evaluated: 2018-01-13. Review status: criteria provided, single submitter. Criteria: ICSL Variant Classification Criteria 13 December 2019. Collection method: clinical testing. Allele origin: germline.
Comment: This variant was observed in the ICSL laboratory as part of a predisposition screen in an ostensibly healthy population. It had not been previously curated by ICSL or reported in the Human Gene Mutation Database (HGMD: prior to June 1st, 2018), and was therefore a candidate for classification through an automated scoring system. Utilizing variant allele frequency, disease prevalence and penetrance estimates, and inheritance mode, an automated score was calculated to assess if this variant is too frequent to cause the disease. Based on the score and internal cut-off values, a variant classified as benign is not then subjected to further curation. The score for this variant resulted in a classification of benign for this disease.

NM_002294.3(LAMP2):c.*1356C>G

Gene: LAMP2 (lysosome associated membrane protein 2; minus strand). Cytogenetic location: Xq24.
Variant type: single nucleotide variant.
Coding change: c.*1356C>G on transcript NM_002294.3 (MANE Select); 1356 bases downstream of the stop codon, C replaced by G.
Molecular consequence: 3 prime UTR variant. On other transcripts: intron variant (1).
Genome position (GRCh38, 1-based): chrX:120,429,967, G>C on the plus strand (C>G on the coding strand, the complement: LAMP2 is on the minus strand). VCF-style: chrX-120429967-G-C. GRCh37 (hg19) VCF-style: chrX-119563822-G-C.
Other names: c.1094-1341C>G (NM_001122606.1).
Identifiers: ClinVar variation 367771 (VCV000367771.6), dbSNP rs188897063, ClinGen allele CA10653750.
Genomic context (GRCh38, chrX:120,429,967, plus strand): 5'-TACTTTTCTTCTAATTTTAACTTTTCCTCCTCTTGTACTTTTACCATTCATAAAAATGTT[G>C]CTACGGTTCTGAGTACACAACACTCATCTCAGTAACCACACATTAGCCTATGCTGAAAGA-3'